The following is an entry in ClinVar:

NM_004035.7(ACOX1):c.1082A>G (p.Gln361Arg)

Gene: ACOX1 (acyl-CoA oxidase 1; minus strand). Cytogenetic location: 17q25.1.
Variant type: single nucleotide variant.
Coding change: c.1082A>G on transcript NM_004035.7 (MANE Select); coding-DNA position 1082, A replaced by G.
Protein change: p.Gln361Arg; replaces glutamine 361 with arginine.
Molecular consequence: missense variant.
Genome position (GRCh38, 1-based): chr17:75,951,440, T>C on the plus strand (A>G on the coding strand, the complement: ACOX1 is on the minus strand). VCF-style: chr17-75951440-T-C. GRCh37 (hg19) VCF-style: chr17-73947521-T-C.
Other names: c.968A>G, p.Gln323Arg (NM_001185039.2); c.1082A>G, p.Gln361Arg (NM_007292.6); short protein forms Q323R, Q361R.
Identifiers: ClinVar variation 3707969 (VCV003707969.2).
Genomic context (GRCh38, chr17:75,951,440, plus strand): 5'-AGGGTGCCCATGAGTGAATGAGACCAAACTCATACCTCAGGCAGTTCACTCAGGTCCCCT[T>C]GACCAATGCCTTCGTTAATCCGGTGATAGGTCTCCTTCATGTATGCGCCCACAAACTGGA-3'
Protein context (NP_004026.2, residues 351-371): TYHRINEGIG[Gln361Arg]GDLSELPELH

ClinVar aggregate classification (germline): Uncertain significance (1 of 4 stars; one submission).

Conditions:
Acyl-CoA oxidase deficiency. Also called: Peroxisomal acyl-CoA oxidase deficiency; STRAIGHT-CHAIN ACYL-CoA OXIDASE DEFICIENCY; Pseudoneonatal adrenoleukodystrophy. Identifiers: Orphanet 2971, MedGen C1849678, MONDO:0009919, OMIM 264470. Disease mechanism: loss of function.

Submission:

Labcorp Genetics (formerly Invitae), Labcorp
Classification: Uncertain significance for Acyl-CoA oxidase deficiency. Last evaluated: 2025-01-21. Review status: criteria provided, single submitter. Criteria: Invitae Variant Classification Sherloc (09022015). Collection method: clinical testing. Allele origin: germline.
Comment: This sequence change replaces glutamine, which is neutral and polar, with arginine, which is basic and polar, at codon 361 of the ACOX1 protein (p.Gln361Arg). This variant is not present in population databases (gnomAD no frequency). This variant has not been reported in the literature in individuals affected with ACOX1-related conditions. Invitae Evidence Modeling of protein sequence and biophysical properties (such as structural, functional, and spatial information, amino acid conservation, physicochemical variation, residue mobility, and thermodynamic stability) indicates that this missense variant is not expected to disrupt ACOX1 protein function with a negative predictive value of 80%. In summary, the available evidence is currently insufficient to determine the role of this variant in disease. Therefore, it has been classified as a Variant of Uncertain Significance.